The following is an entry in ClinVar:

NM_001035.3(RYR2):c.3177G>A (p.Gly1059=)

Gene: RYR2 (ryanodine receptor 2; plus strand). Cytogenetic location: 1q43.
Variant type: single nucleotide variant.
Coding change: c.3177G>A on transcript NM_001035.3 (MANE Select); coding-DNA position 3177, G replaced by A.
Protein change: p.Gly1059=; no amino-acid change (glycine 1059 retained).
Molecular consequence: synonymous variant.
Genome position (GRCh38, 1-based): chr1:237,550,654, G>A. VCF-style: chr1-237550654-G-A. GRCh37 (hg19) VCF-style: chr1-237713954-G-A.
Identifiers: ClinVar variation 3385701 (VCV003385701.1).

ClinVar aggregate classification (germline): Likely benign (1 of 4 stars; one submission).

Conditions:
Catecholaminergic polymorphic ventricular tachycardia (CVPT). Also called: Catecholamine-induced polymorphic ventricular tachycardia. Identifiers: Orphanet 3286, MedGen C5574922, MONDO:0017990.

Submission:

All of Us Research Program, National Institutes of Health
Classification: Likely benign for Catecholaminergic polymorphic ventricular tachycardia. Last evaluated: 2024-04-25. Review status: criteria provided, single submitter. Criteria: ACMG Guidelines, 2015. Collection method: clinical testing. Allele origin: germline. Inheritance: Autosomal dominant inheritance. Observed: 1 variant allele, 1 heterozygote.
Comment: This study involves interpretation of variants in research participants for the purpose of population health screening. Participant phenotype was not available at the time of variant classification. Additional details can be found in publication PMID: 35346344, PMCID: PMC8962531